The following is an entry in ClinVar:

ClinVar aggregate classification (germline): Likely benign (1 of 4 stars; one submission).

Allele frequency attached by ClinVar (database versions not stated): 1000 Genomes Project 30x 0.00125; 1000 Genomes Project 0.00160; TOPMed 0.00232; gnomAD 0.00263; ESP Exome Variant Server 0.00331; ExAC 0.00358.
gnomAD v4.1: 5,360 of 1,613,154 alleles (0.33%); highest among the groups gnomAD compares: Middle Eastern, 0.91%; 31 homozygotes.

Submission:

CeGaT Center for Human Genetics Tuebingen
Classification: Likely benign. Last evaluated: 2026-09-01. Review status: criteria provided, single submitter. Criteria: CeGaT Center For Human Genetics Tuebingen Variant Classification Criteria Version 2. Collection method: clinical testing. Allele origin: germline. Affected: yes. Observed: 7 variant alleles.
Comment: HRNR: BS2

NM_001009931.3(HRNR):c.3232C>T (p.Gln1078Ter)

Genes: CCDST (cervical cancer associated DHX9 suppressive transcript; plus strand), HRNR (hornerin; minus strand). Cytogenetic location: 1q21.3.
Variant type: single nucleotide variant.
Coding change: c.3232C>T on transcript NM_001009931.3 (MANE Select); coding-DNA position 3232, C replaced by T.
Protein change: p.Gln1078Ter; replaces glutamine 1078 with a stop codon.
Molecular consequence: nonsense.
Genome position (GRCh38, 1-based): chr1:152,218,397, G>A on the plus strand (C>T on the coding strand, the complement: HRNR is on the minus strand). VCF-style: chr1-152218397-G-A. GRCh37 (hg19) VCF-style: chr1-152190873-G-A.
Other names: short protein forms Q1078*.
Identifiers: ClinVar variation 2639205 (VCV002639205.24), dbSNP rs141950802, ClinGen allele CA1101108.